The following is an entry in ClinVar:

NM_000823.4(GHRHR):c.169G>A (p.Ala57Thr)

Gene: GHRHR (growth hormone releasing hormone receptor; plus strand). Cytogenetic location: 7p14.3.
Variant type: single nucleotide variant.
Coding change: c.169G>A on transcript NM_000823.4 (MANE Select); coding-DNA position 169, G replaced by A.
Protein change: p.Ala57Thr; replaces alanine 57 with threonine.
Molecular consequence: missense variant.
Genome position (GRCh38, 1-based): chr7:30,969,071, G>A. VCF-style: chr7-30969071-G-A. GRCh37 (hg19) VCF-style: chr7-31008686-G-A.
Other names: short protein forms A57T.
Identifiers: ClinVar variation 36273 (VCV000036273.24), dbSNP rs4988496, ClinGen allele CA202257.

ClinVar aggregate classification (germline): Benign. Review status: criteria provided, multiple submitters, no conflicts (2 of 4 stars). 7 submissions from 7 submitters: Benign (6). 1 of the submissions does not count toward it. Last evaluated 2026-02-01.

Conditions:
GHRHR-related disorder. Also called: GHRHR-related condition.
Idiopathic growth hormone deficiency (IGHD). Identifiers: MedGen C0342381.
Isolated growth hormone deficiency type IB (IGHD1B). Also called: IGHD 1B; IGHD IB. Identifiers: Orphanet 231671, Orphanet 631, MedGen C2748571, MONDO:0013006, OMIM 612781.

Allele frequency attached by ClinVar (database versions not stated): gnomAD exomes 0.05915 and 0.06486; ExAC 0.11477; gnomAD 0.11502 and 0.12048; 1000 Genomes Project 0.12740; TOPMed 0.12761; ESP Exome Variant Server 0.13052; 1000 Genomes Project 30x 0.13132.
gnomAD v4.1: 102,650 of 1,578,878 alleles (6.5%); highest among the groups gnomAD compares: African/African-American, 28%; 5,415 homozygotes.

Submissions (7):

Labcorp Genetics (formerly Invitae), Labcorp
Classification: Benign. Last evaluated: 2026-02-01. Review status: criteria provided, single submitter. Criteria: Invitae Variant Classification Sherloc (09022015). Collection method: clinical testing. Allele origin: germline.

Blueprint Genetics
Classification: Benign. Last evaluated: 2024-11-27. Review status: criteria provided, single submitter. Criteria: ACMG Guidelines, 2015. Collection method: clinical testing. Allele origin: germline.

GeneDx
Classification: Benign. Last evaluated: 2021-06-09. Review status: criteria provided, single submitter. Criteria: GeneDx Variant Classification Process June 2021. Collection method: clinical testing. Allele origin: germline. Affected: yes.
Comment: This variant is associated with the following publications: (PMID: 28910730, 22449891, 10944436, 11502843)

Illumina Laboratory Services, Illumina
Classification: Benign for Isolated growth hormone deficiency type IB. Last evaluated: 2018-03-06. Review status: criteria provided, single submitter. Criteria: ICSL Variant Classification Criteria 13 December 2019. Collection method: clinical testing. Allele origin: germline.
Comment: This variant was observed in the ICSL laboratory as part of a predisposition screen in an ostensibly healthy population. It had not been previously curated by ICSL or reported in the Human Gene Mutation Database (HGMD: prior to June 1st, 2018), and was therefore a candidate for classification through an automated scoring system. Utilizing variant allele frequency, disease prevalence and penetrance estimates, and inheritance mode, an automated score was calculated to assess if this variant is too frequent to cause the disease. Based on the score and internal cut-off values, a variant classified as benign is not then subjected to further curation. The score for this variant resulted in a classification of benign for this disease.

Eurofins Ntd Llc (ga)
Classification: Benign. Last evaluated: 2015-06-01. Review status: criteria provided, single submitter. Criteria: EGL Classification Definitions 2015. Collection method: clinical testing. Allele origin: germline. Observed: 1 variant allele, 1 heterozygote.

Women's Health and Genetics/Laboratory Corporation of America, LabCorp
Classification: Benign for Idiopathic Growth Hormone Deficiency. Last evaluated: 2011-08-18. Review status: criteria provided, single submitter. Criteria: LabCorp Variant Classification Summary - May 2015. Collection method: clinical testing. Allele origin: germline. Inheritance: autosomal unknown.
ClinVar note: Converted during submission from benign to Benign.

PreventionGenetics, part of Exact Sciences
Classification: Benign for GHRHR-related condition. Last evaluated: 2019-10-28. Review status: no assertion criteria provided. Collection method: clinical testing. Allele origin: germline. Not counted in ClinVar's aggregate classification.
Comment: This variant is classified as benign based on ACMG/AMP sequence variant interpretation guidelines (Richards et al. 2015 PMID: 25741868, with internal and published modifications).

Literature cited by the submitters: PubMed 11298081 (cited by Women's Health and Genetics/Laboratory Corporation of America, LabCorp); PubMed 16284391 (cited by Women's Health and Genetics/Laboratory Corporation of America, LabCorp); PubMed 11502843 (cited by Women's Health and Genetics/Laboratory Corporation of America, LabCorp); PubMed 12163232 (cited by Women's Health and Genetics/Laboratory Corporation of America, LabCorp); PubMed 10944436 (cited by Women's Health and Genetics/Laboratory Corporation of America, LabCorp); PubMed 12414875 (cited by Women's Health and Genetics/Laboratory Corporation of America, LabCorp).